The following is an entry in ClinVar:

NM_001290060.2(SEMA3B):c.86dup (p.Arg30fs)

Gene: SEMA3B (semaphorin 3B; plus strand). Cytogenetic location: 3p21.31.
Variant type: Duplication.
Coding change: c.86dup on transcript NM_001290060.2 (MANE Select); coding-DNA position 86, one base duplicated (C; older notation c.86dupC).
Protein change: p.Arg30fs; shifts the reading frame from arginine 30.
Molecular consequence: frameshift variant.
Genome position (GRCh38, 1-based): chr3:50,269,326, C duplicated; the last of 6 consecutive C bases (chr3:50,269,321-50,269,326); duplicating any one gives the same sequence. VCF-style (leftmost placement, unchanged base first): chr3-50269320-G-GC. GRCh37 (hg19) VCF-style: chr3-50306752-G-GCC.
Other names: c.85dupC (NM_001290061.1); c.86dup, p.Arg30fs (NM_001005914.3, NM_001290061.1, NM_004636.4); short protein forms R30fs.
Identifiers: ClinVar variation 3060238 (VCV003060238.1), dbSNP rs67324803, ClinGen allele CA74619806.

ClinVar aggregate classification (germline): Benign (1 of 4 stars; one submission).

Conditions:
SEMA3B-related disorder. Also called: SEMA3B-related condition.

Submission:

PreventionGenetics, part of Exact Sciences
Classification: Benign for SEMA3B-related condition. Last evaluated: 2021-06-17. Review status: criteria provided, single submitter. Criteria: ACMG Guidelines, 2015. Collection method: clinical testing. Allele origin: germline.
Comment: This variant is classified as benign based on ACMG/AMP sequence variant interpretation guidelines (Richards et al. 2015 PMID: 25741868, with internal and published modifications).